The following is an entry in ClinVar:

ClinVar aggregate classification (germline): Uncertain significance. Review status: criteria provided, multiple submitters, no conflicts (2 of 4 stars). 3 submissions from 3 submitters: Uncertain significance (3). Last evaluated 2026-03-11.

Conditions:
Inborn genetic diseases. Identifiers: MedGen C0950123, MeSH D030342.

Submissions (3):

Ambry Genetics
Classification: Uncertain significance for Inborn genetic diseases. Last evaluated: 2026-03-11. Review status: criteria provided, single submitter. Criteria: Ambry Variant Classification Scheme 2023. Collection method: clinical testing. Allele origin: germline.

Women's Health and Genetics/Laboratory Corporation of America, LabCorp
Classification: Uncertain significance. Last evaluated: 2024-06-27. Review status: criteria provided, single submitter. Criteria: LabCorp Variant Classification Summary - May 2015. Collection method: clinical testing. Allele origin: germline.
Comment: Variant summary: NALCN c.4734G>C (p.Lys1578Asn) results in a non-conservative amino acid change in the encoded protein sequence. Three of five in-silico tools predict a damaging effect of the variant on protein function. The variant was absent in 250944 control chromosomes. The available data on variant occurrences in the general population are insufficient to allow any conclusion about variant significance. To our knowledge, no occurrence of c.4734G>C in individuals affected with Congenital Contractures Of The Limbs And Face, Hypotonia, And Developmental Delay and no experimental evidence demonstrating its impact on protein function have been reported. No submitters have cited clinical-significance assessments for this variant to ClinVar. Based on the evidence outlined above, the variant was classified as uncertain significance.

GeneDx
Classification: Uncertain significance. Last evaluated: 2023-08-02. Review status: criteria provided, single submitter. Criteria: GeneDx Variant Classification Process June 2021. Collection method: clinical testing. Allele origin: germline. Affected: yes.
Comment: Not observed at significant frequency in large population cohorts (gnomAD); In silico analysis supports that this missense variant does not alter protein structure/function; Has not been previously published as pathogenic or benign to our knowledge

NM_052867.4(NALCN):c.4734G>C (p.Lys1578Asn)

Gene: NALCN (sodium leak channel, non-selective; minus strand). Cytogenetic location: 13q32.3.
Variant type: single nucleotide variant.
Coding change: c.4734G>C on transcript NM_052867.4 (MANE Select); coding-DNA position 4734, G replaced by C.
Protein change: p.Lys1578Asn; replaces lysine 1578 with asparagine.
Molecular consequence: missense variant.
Genome position (GRCh38, 1-based): chr13:101,061,989, C>G on the plus strand (G>C on the coding strand, the complement: NALCN is on the minus strand). VCF-style: chr13-101061989-C-G. GRCh37 (hg19) VCF-style: chr13-101714341-C-G.
Other names: c.4734G>C (NM_052867.2); c.4821G>C, p.Lys1607Asn (NM_001350748.2); c.4734G>C, p.Lys1578Asn (NM_001350749.2); c.4647G>C, p.Lys1549Asn (NM_001350750.2, NM_001350751.2); short protein forms K1549N, K1578N, K1607N.
Identifiers: ClinVar variation 3340027 (VCV003340027.3).